The following is an entry in ClinVar:

NM_000092.5(COL4A4):c.933G>A (p.Gly311=)

Gene: COL4A4 (collagen type IV alpha 4 chain; minus strand). Cytogenetic location: 2q36.3.
Variant type: single nucleotide variant.
Coding change: c.933G>A on transcript NM_000092.5 (MANE Select); coding-DNA position 933, G replaced by A.
Protein change: p.Gly311=; no amino-acid change (glycine 311 retained).
Molecular consequence: synonymous variant.
Genome position (GRCh38, 1-based): chr2:227,101,907, C>T on the plus strand (G>A on the coding strand, the complement: COL4A4 is on the minus strand). VCF-style: chr2-227101907-C-T. GRCh37 (hg19) VCF-style: chr2-227966623-C-T.
Other names: c.933G>A (NM_000092.4).
Identifiers: ClinVar variation 1561337 (VCV001561337.10), dbSNP rs778118362, ClinGen allele CA2145348.

ClinVar aggregate classification (germline): Likely benign. Review status: criteria provided, multiple submitters, no conflicts (2 of 4 stars). 3 submissions from 3 submitters: Likely benign (2). 1 of the submissions does not count toward it. Last evaluated 2024-03-19.

Conditions:
COL4A4-related disorder.

Allele frequency attached by ClinVar (database versions not stated): gnomAD exomes below 0.00001 and 0.00001; TOPMed below 0.00001; gnomAD 0.00001; ExAC 0.00002.

Submissions (3):

Labcorp Genetics (formerly Invitae), Labcorp
Classification: Likely benign. Last evaluated: 2024-03-19. Review status: criteria provided, single submitter. Criteria: Invitae Variant Classification Sherloc (09022015). Collection method: clinical testing. Allele origin: germline.

ARUP Laboratories, Molecular Genetics and Genomics, ARUP Laboratories
Classification: Likely benign. Last evaluated: 2023-08-09. Review status: criteria provided, single submitter. Criteria: ARUP Molecular Germline Variant Investigation Process 2024. Collection method: clinical testing. Allele origin: germline.

PreventionGenetics, part of Exact Sciences
Classification: Likely benign for COL4A4-related condition. Last evaluated: 2024-03-27. Review status: no assertion criteria provided. Collection method: clinical testing. Allele origin: germline. Not counted in ClinVar's aggregate classification.
Comment: This variant is classified as likely benign based on ACMG/AMP sequence variant interpretation guidelines (Richards et al. 2015 PMID: 25741868, with internal and published modifications).